The following is an entry in ClinVar:

ClinVar aggregate classification (germline): Pathogenic (1 of 4 stars; one submission).

Conditions:
Alveolar capillary dysplasia with pulmonary venous misalignment. Also called: Congenital alveolar capillary dysplasia; Alveolar capillary dysplasia with misalignment of pulmonary veins; ALVEOLAR CAPILLARY DYSPLASIA WITH MISALIGNMENT OF PULMONARY VEINS AND OTHER CONGENITAL ANOMALIES. Identifiers: Orphanet 210122, MedGen C2960310, MONDO:0009934, OMIM 265380.

Submission:

Juno Genomics, Hangzhou Juno Genomics, Inc
Classification: Pathogenic for Alveolar capillary dysplasia with pulmonary venous misalignment. Review status: criteria provided, single submitter. Criteria: ACMG Guidelines, 2015. Collection method: clinical testing. Allele origin: germline. Affected: yes.
Comment: Absent from controls (or at extremely low frequency if recessive) in Genome Aggregation Database.;Null variant in a gene where loss of function (LOF) is a known mechanism of disease.;De novo (both maternity and paternity confirmed) in a patient with the disease and no family history.

NM_001451.3(FOXF1):c.809G>A (p.Trp270Ter)

Gene: FOXF1 (forkhead box F1; plus strand). Cytogenetic location: 16q24.1.
Variant type: single nucleotide variant.
Coding change: c.809G>A on transcript NM_001451.3 (MANE Select); coding-DNA position 809, G replaced by A.
Protein change: p.Trp270Ter; replaces tryptophan 270 with a stop codon.
Molecular consequence: nonsense.
Genome position (GRCh38, 1-based): chr16:86,511,378, G>A. VCF-style: chr16-86511378-G-A. GRCh37 (hg19) VCF-style: chr16-86544984-G-A.
Other names: short protein forms W270*.
Identifiers: ClinVar variation 5019156 (VCV005019156.1).